The following is an entry in ClinVar:

NM_001367561.1(DOCK7):c.5815C>T (p.Arg1939Cys)

Gene: DOCK7 (dedicator of cytokinesis 7; minus strand). Cytogenetic location: 1p31.3.
Variant type: single nucleotide variant.
Coding change: c.5815C>T on transcript NM_001367561.1 (MANE Select); coding-DNA position 5815, C replaced by T.
Protein change: p.Arg1939Cys; replaces arginine 1939 with cysteine.
Molecular consequence: missense variant.
Genome position (GRCh38, 1-based): chr1:62,475,853, G>A on the plus strand (C>T on the coding strand, the complement: DOCK7 is on the minus strand). VCF-style: chr1-62475853-G-A. GRCh37 (hg19) VCF-style: chr1-62941524-G-A.
Other names: c.5782C>T, p.Arg1928Cys (NM_001271999.2); c.5695C>T, p.Arg1899Cys (NM_001272000.2); c.5689C>T, p.Arg1897Cys (NM_001272001.2); c.5788C>T, p.Arg1930Cys (NM_001330614.2); c.5722C>T, p.Arg1908Cys (NM_033407.4); short protein forms R1908C, R1928C, R1930C, R1899C, R1897C, R1939C.
Identifiers: ClinVar variation 541909 (VCV000541909.11), dbSNP rs1162507044, ClinGen allele CA340603502.
Genomic context (GRCh38, chr1:62,475,853, plus strand): 5'-CATGAAGTTCCCCATGGGCACGGCCATCTAAAGTAAAGGGTGTACAGTACATGAATCGAC[G>A]AAGATTGTAATTTTTGTCGAAATAGGTGATTCTGTCCTTCATCTCATATGTGTCAAAGTA-3'
Protein context (NP_001354490.1, residues 1929-1949): ITYFDKNYNL[Arg1939Cys]RFMYCTPFTL

ClinVar aggregate classification (germline): Uncertain significance (1 of 4 stars; one submission).

Conditions:
Developmental and epileptic encephalopathy, 23 (DEE23). Also called: Epileptic encephalopathy, early infantile, 23. Identifiers: Orphanet 411986, MedGen C4014492, MONDO:0014371, OMIM 615859.

Allele frequency attached by ClinVar (database versions not stated): gnomAD 0.00001; gnomAD exomes 0.00001; TOPMed 0.00001.
gnomAD v4.1: 12 of 1,613,910 alleles (0.00074%); highest among the groups gnomAD compares: Non-Finnish European, 0.001%; no homozygotes.

Submission:

Labcorp Genetics (formerly Invitae), Labcorp
Classification: Uncertain significance for Developmental and epileptic encephalopathy, 23. Last evaluated: 2022-08-15. Review status: criteria provided, single submitter. Criteria: Invitae Variant Classification Sherloc (09022015). Collection method: clinical testing. Allele origin: germline.
Comment: This sequence change replaces arginine, which is basic and polar, with cysteine, which is neutral and slightly polar, at codon 1928 of the DOCK7 protein (p.Arg1928Cys). This variant is present in population databases (no rsID available, gnomAD 0.002%). This missense change has been observed in individual(s) with clinical features of DOCK7-related conditions (PMID: 31175295). ClinVar contains an entry for this variant (Variation ID: 541909). Algorithms developed to predict the effect of missense changes on protein structure and function are either unavailable or do not agree on the potential impact of this missense change (SIFT: "Deleterious"; PolyPhen-2: "Probably Damaging"; Align-GVGD: "Class C15"). In summary, the available evidence is currently insufficient to determine the role of this variant in disease. Therefore, it has been classified as a Variant of Uncertain Significance.

Literature cited by the submitters: PubMed 31175295.